The following is an entry in ClinVar:

ClinVar aggregate classification (germline): Benign. Review status: criteria provided, multiple submitters, no conflicts (2 of 4 stars). 5 submissions from 5 submitters: Benign (5). Last evaluated 2026-01-29.

Conditions:
Autosomal recessive limb-girdle muscular dystrophy type R18 (LGMDR18). Also called: Limb-girdle muscular dystrophy, type 2S; MUSCULAR DYSTROPHY, LIMB-GIRDLE, AUTOSOMAL RECESSIVE 18; Autosomal recessive limb-girdle muscular dystrophy type 2S. Identifiers: Orphanet 369840, MedGen C4517996, MONDO:0014144, OMIM 615356.

Allele frequency attached by ClinVar (database versions not stated): gnomAD exomes 0.00357; ExAC 0.00542; gnomAD 0.01564 and 0.01657; ESP Exome Variant Server 0.01618; TOPMed 0.01775; 1000 Genomes Project 0.02316; 1000 Genomes Project 30x 0.02405.
gnomAD v4.1: 4,216 of 1,512,986 alleles (0.28%); highest among the groups gnomAD compares: African/African-American, 5.2%; 103 homozygotes.

Submissions (5):

Labcorp Genetics (formerly Invitae), Labcorp
Classification: Benign for Autosomal recessive limb-girdle muscular dystrophy type R18. Last evaluated: 2026-01-29. Review status: criteria provided, single submitter. Criteria: Invitae Variant Classification Sherloc (09022015). Collection method: clinical testing. Allele origin: germline.

Athena Diagnostics
Classification: Benign. Last evaluated: 2025-07-02. Review status: criteria provided, single submitter. Criteria: Athena Diagnostics Criteria. Collection method: clinical testing. Allele origin: unknown.
Comment: The frequency of this variant in the general population is higher than would generally be expected for pathogenic variants in this gene.

Mayo Clinic Laboratories, Mayo Clinic
Classification: Benign. Last evaluated: 2023-01-10. Review status: criteria provided, single submitter. Criteria: ACMG Guidelines, 2015. Collection method: clinical testing. Allele origin: germline. Observed: 9 variant alleles.
Comment: BA1

GeneDx
Classification: Benign. Last evaluated: 2018-08-07. Review status: criteria provided, single submitter. Criteria: GeneDx Variant Classification Process June 2021. Collection method: clinical testing. Allele origin: germline. Affected: yes.

Breakthrough Genomics
Classification: Benign. Review status: criteria provided, single submitter. Criteria: ACMG Guidelines, 2015. Collection method: not provided. Allele origin: germline. Inheritance: Autosomal recessive inheritance. Affected: yes.

NM_021942.6(TRAPPC11):c.675G>A (p.Arg225=)

Gene: TRAPPC11 (trafficking protein particle complex subunit 11; plus strand). Cytogenetic location: 4q35.1.
Variant type: single nucleotide variant.
Coding change: c.675G>A on transcript NM_021942.6 (MANE Select); coding-DNA position 675, G replaced by A.
Protein change: p.Arg225=; no amino-acid change (arginine 225 retained).
Molecular consequence: synonymous variant.
Genome position (GRCh38, 1-based): chr4:183,675,178, G>A. VCF-style: chr4-183675178-G-A. GRCh37 (hg19) VCF-style: chr4-184596331-G-A.
Other names: p.Arg225=; c.675G>A, p.Arg225= (NM_199053.3).
Identifiers: ClinVar variation 474367 (VCV000474367.17), dbSNP rs73872657, ClinGen allele CA3151674.